The following is an entry in ClinVar:

NM_145200.5(CABP4):c.433C>T (p.Arg145Cys)

Gene: CABP4 (calcium binding protein 4; plus strand). Cytogenetic location: 11q13.2.
Variant type: single nucleotide variant.
Coding change: c.433C>T on transcript NM_145200.5 (MANE Select); coding-DNA position 433, C replaced by T.
Protein change: p.Arg145Cys; replaces arginine 145 with cysteine.
Molecular consequence: missense variant.
Genome position (GRCh38, 1-based): chr11:67,456,334, C>T. VCF-style: chr11-67456334-C-T. GRCh37 (hg19) VCF-style: chr11-67223805-C-T.
Other names: c.118C>T, p.Arg40Cys (NM_001300895.3, NM_001300896.3, NM_001379183.1); short protein forms R145C, R40C.
Identifiers: ClinVar variation 960815 (VCV000960815.10), dbSNP rs753754780, ClinGen allele CA6140219.

ClinVar aggregate classification (germline): Uncertain significance. Review status: criteria provided, multiple submitters, no conflicts (2 of 4 stars). 2 submissions from 2 submitters: Uncertain significance (2). Last evaluated 2024-10-25.

Allele frequency attached by ClinVar (database versions not stated): gnomAD 0.00001; TOPMed 0.00002; gnomAD exomes 0.00004; ExAC 0.00007.

Submissions (2):

Labcorp Genetics (formerly Invitae), Labcorp
Classification: Uncertain significance. Last evaluated: 2024-10-25. Review status: criteria provided, single submitter. Criteria: Invitae Variant Classification Sherloc (09022015). Collection method: clinical testing. Allele origin: germline.
Comment: This sequence change replaces arginine, which is basic and polar, with cysteine, which is neutral and slightly polar, at codon 145 of the CABP4 protein (p.Arg145Cys). This variant is present in population databases (rs753754780, gnomAD 0.02%). This variant has not been reported in the literature in individuals affected with CABP4-related conditions. ClinVar contains an entry for this variant (Variation ID: 960815). Invitae Evidence Modeling of protein sequence and biophysical properties (such as structural, functional, and spatial information, amino acid conservation, physicochemical variation, residue mobility, and thermodynamic stability) indicates that this missense variant is not expected to disrupt CABP4 protein function with a negative predictive value of 80%. In summary, the available evidence is currently insufficient to determine the role of this variant in disease. Therefore, it has been classified as a Variant of Uncertain Significance.

Blueprint Genetics
Classification: Uncertain significance. Last evaluated: 2023-10-14. Review status: criteria provided, single submitter. Criteria: ACMG Guidelines, 2015. Collection method: clinical testing. Allele origin: germline.